The following is an entry in ClinVar:

NM_020719.3(PRR12):c.1110C>G (p.Gly370=)

Gene: PRR12 (proline rich 12; plus strand). Cytogenetic location: 19q13.33.
Variant type: single nucleotide variant.
Coding change: c.1110C>G on transcript NM_020719.3 (MANE Select); coding-DNA position 1110, C replaced by G.
Protein change: p.Gly370=; no amino-acid change (glycine 370 retained).
Molecular consequence: synonymous variant.
Genome position (GRCh38, 1-based): chr19:49,595,445, C>G. VCF-style: chr19-49595445-C-G. GRCh37 (hg19) VCF-style: chr19-50098702-C-G.
Identifiers: ClinVar variation 2650255 (VCV002650255.24), dbSNP rs764691824, ClinGen allele CA508288130.

ClinVar aggregate classification (germline): Likely benign (1 of 4 stars; one submission).

Submission:

CeGaT Center for Human Genetics Tuebingen
Classification: Likely benign. Last evaluated: 2022-11-01. Review status: criteria provided, single submitter. Criteria: CeGaT Center For Human Genetics Tuebingen Variant Classification Criteria Version 2. Collection method: clinical testing. Allele origin: germline. Affected: yes. Observed: 1 variant allele.
Comment: PRR12: BP4, BP7